The following is an entry in ClinVar:

ClinVar aggregate classification (germline): Uncertain significance (1 of 4 stars; one submission).

Conditions:
Developmental and epileptic encephalopathy, 11 (DEE11). Also called: Early infantile epileptic encephalopathy 11. Identifiers: Orphanet 1934, MedGen C3150987, MONDO:0013388, OMIM 613721.
Seizures, benign familial infantile, 3 (BFIS3). Also called: CONVULSIONS, BENIGN FAMILIAL INFANTILE, 3; Familial neonatal seizures. Identifiers: Orphanet 140927, Orphanet 306, MedGen C1843140, MONDO:0011904, OMIM 607745.

Submission:

Labcorp Genetics (formerly Invitae), Labcorp
Classification: Uncertain significance for Seizures, benign familial infantile, 3; Developmental and epileptic encephalopathy, 11. Last evaluated: 2026-01-01. Review status: criteria provided, single submitter. Criteria: Invitae Variant Classification Sherloc (09022015). Collection method: clinical testing. Allele origin: germline.
Comment: This sequence change replaces serine, which is neutral and polar, with proline, which is neutral and non-polar, at codon 1892 of the SCN2A protein (p.Ser1892Pro). This variant is not present in population databases (gnomAD no frequency). This variant has not been reported in the literature in individuals affected with SCN2A-related conditions. Invitae Evidence Modeling of protein sequence and biophysical properties (such as structural, functional, and spatial information, amino acid conservation, physicochemical variation, residue mobility, and thermodynamic stability) indicates that this missense variant is expected to disrupt SCN2A protein function with a positive predictive value of 95%. In summary, the available evidence is currently insufficient to determine the role of this variant in disease. Therefore, it has been classified as a Variant of Uncertain Significance.

NM_001040142.2(SCN2A):c.5674T>C (p.Ser1892Pro)

Gene: SCN2A (sodium voltage-gated channel alpha subunit 2; plus strand). Cytogenetic location: 2q24.3.
Variant type: single nucleotide variant.
Coding change: c.5674T>C on transcript NM_001040142.2 (MANE Select); coding-DNA position 5674, T replaced by C.
Protein change: p.Ser1892Pro; replaces serine 1892 with proline.
Molecular consequence: missense variant.
Genome position (GRCh38, 1-based): chr2:165,389,480, T>C. VCF-style: chr2-165389480-T-C. GRCh37 (hg19) VCF-style: chr2-166245990-T-C.
Other names: c.5674T>C, p.Ser1892Pro (NM_001040143.2, NM_001371246.1, NM_001371247.1 and 1 more transcripts); short protein forms S1892P.
Identifiers: ClinVar variation 4783616 (VCV004783616.1).